The following is an entry in ClinVar:

NM_004577.4(PSPH):c.371A>G (p.Asn124Ser)

Gene: PSPH (phosphoserine phosphatase; minus strand). Cytogenetic location: 7p11.2.
Variant type: single nucleotide variant.
Coding change: c.371A>G on transcript NM_004577.4 (MANE Select); coding-DNA position 371, A replaced by G.
Protein change: p.Asn124Ser; replaces asparagine 124 with serine.
Molecular consequence: missense variant.
Genome position (GRCh38, 1-based): chr7:56,017,284, T>C on the plus strand (A>G on the coding strand, the complement: PSPH is on the minus strand). VCF-style: chr7-56017284-T-C. GRCh37 (hg19) VCF-style: chr7-56084977-T-C.
Other names: c.371A>G, p.Asn124Ser (NM_001370503.1, NM_001370504.1, NM_001370505.1 and 17 more transcripts); c.371A>G (NM_004577.3); short protein forms N124S.
Identifiers: ClinVar variation 1513740 (VCV001513740.5), dbSNP rs761409780, ClinGen allele CA4268657.

ClinVar aggregate classification (germline): Uncertain significance. Review status: criteria provided, multiple submitters, no conflicts (2 of 4 stars). 2 submissions from 2 submitters: Uncertain significance (2). Last evaluated 2024-12-02.

Conditions:
Inborn genetic diseases. Identifiers: MedGen C0950123, MeSH D030342.
Deficiency of phosphoserine phosphatase (PSPHD). Also called: PSPH deficiency; Phosphoserine phosphatase deficiency. Identifiers: Orphanet 79350, MedGen C1291463, MONDO:0013531, OMIM 614023.

Allele frequency attached by ClinVar (database versions not stated): gnomAD 0.00003; TOPMed 0.00003; gnomAD exomes 0.00004 and 0.00007; ExAC 0.00006.
gnomAD v4.1: 30 of 1,613,846 alleles (0.0019%); highest among the groups gnomAD compares: Admixed American, 0.045%; no homozygotes.

Submissions (2):

Labcorp Genetics (formerly Invitae), Labcorp
Classification: Uncertain significance for Deficiency of phosphoserine phosphatase. Last evaluated: 2024-12-02. Review status: criteria provided, single submitter. Criteria: Invitae Variant Classification Sherloc (09022015). Collection method: clinical testing. Allele origin: germline.
Comment: This sequence change replaces asparagine, which is neutral and polar, with serine, which is neutral and polar, at codon 124 of the PSPH protein (p.Asn124Ser). This variant is present in population databases (rs761409780, gnomAD 0.05%). This variant has not been reported in the literature in individuals affected with PSPH-related conditions. ClinVar contains an entry for this variant (Variation ID: 1513740). An algorithm developed to predict the effect of missense changes on protein structure and function outputs the following: PolyPhen-2: "Benign". The serine amino acid residue is found in multiple mammalian species, which suggests that this missense change does not adversely affect protein function. In summary, the available evidence is currently insufficient to determine the role of this variant in disease. Therefore, it has been classified as a Variant of Uncertain Significance.

Ambry Genetics
Classification: Uncertain significance for Inborn genetic diseases. Last evaluated: 2021-07-15. Review status: criteria provided, single submitter. Criteria: Ambry Variant Classification Scheme 2023. Collection method: clinical testing. Allele origin: germline.